The following is an entry in ClinVar:

NM_007294.3(BRCA1):c.81-?_4986+?del

Genes: BRCA1 (BRCA1 DNA repair associated; minus strand), LOC126862571 (BRD4-independent group 4 enhancer GRCh37_chr17:41243136-41244335; plus strand). Cytogenetic location: 17q21.31.
Variant type: Deletion.
Coding change: c.81-?_4986+?del on transcript NM_007294.3.
Other names: c.81-?_4986+?del (LRG_292t1).
Identifiers: ClinVar variation 254043 (VCV000254043.3).

ClinVar aggregate classification (germline): Pathogenic. Review status: criteria provided, multiple submitters, no conflicts (2 of 4 stars). 2 submissions from 2 submitters: Pathogenic (2). Last evaluated 2016-05-05.

Conditions:
Hereditary breast ovarian cancer syndrome. Also called: Hereditary breast and ovarian cancer syndrome (HBOC); Breast and ovarian cancer; Hereditary breast and ovarian cancer syndrome; Hereditary breast and ovarian cancer; BRCA1- and BRCA2-Associated Hereditary Breast and Ovarian Cancer; Hereditary breast and/or ovarian cancer syndrome. Identifiers: Orphanet 145, MedGen C0677776, MeSH D061325, MONDO:0003582. Disease mechanism: loss of function.
Breast-ovarian cancer, familial, susceptibility to, 1 (BROVCA1). Also called: BRCA1 Hereditary Breast and Ovarian Cancer; OVARIAN CANCER, SUSCEPTIBILITY TO. Identifiers: Orphanet 145, MedGen C2676676, MONDO:0011450, OMIM 604370. Disease mechanism: loss of function.

Submissions (2):

Labcorp Genetics (formerly Invitae), Labcorp
Classification: Pathogenic for Hereditary breast ovarian cancer syndrome. Last evaluated: 2016-05-05. Review status: criteria provided, single submitter. Criteria: Invitae Variant Classification Sherloc (09022015). Collection method: clinical testing. Allele origin: germline.
Comment: This variant is a gross deletion of the genomic region encompassing exons 3-15 of the BRCA1 gene. This creates a premature translational stop signal and is expected to result in an absent or disrupted protein product. Subgenic deletions in BRCA1 are known to be pathogenic. Deletions of exons 3-15 have been reported in the literature in individuals with breast and/or ovarian cancer (PMID: 12960223, 18546071, 24549055). Deletion of exons 3-15 is also known as deletion of exons 3-16 in the literature. For these reasons, this variant has been classified as Pathogenic.

Consortium of Investigators of Modifiers of BRCA1/2 (CIMBA), c/o University of Cambridge
Classification: Pathogenic for Breast-ovarian cancer, familial, susceptibility to, 1. Last evaluated: 2015-10-02. Review status: criteria provided, single submitter. Criteria: CIMBA Mutation Classification guidelines May 2016. Collection method: clinical testing. Allele origin: germline.